The following is an entry in ClinVar:

ClinVar aggregate classification (germline): Uncertain significance (1 of 4 stars; one submission).

Conditions:
Epilepsy, progressive myoclonic, 1B. Also called: PME. Identifiers: Orphanet 308, MedGen C2676254, MONDO:0012904, OMIM 612437.

Submission:

Labcorp Genetics (formerly Invitae), Labcorp
Classification: Uncertain significance for Epilepsy, progressive myoclonic, 1B. Last evaluated: 2023-08-04. Review status: criteria provided, single submitter. Criteria: Invitae Variant Classification Sherloc (09022015). Collection method: clinical testing. Allele origin: germline.
Comment: This sequence change creates a premature translational stop signal (p.Glu572Argfs*3) in the PRICKLE1 gene. While this is not anticipated to result in nonsense mediated decay, it is expected to disrupt the last 260 amino acid(s) of the PRICKLE1 protein. This variant is not present in population databases (gnomAD no frequency). This variant has not been reported in the literature in individuals affected with PRICKLE1-related conditions. ClinVar contains an entry for this variant (Variation ID: 1469326). In summary, the available evidence is currently insufficient to determine the role of this variant in disease. Therefore, it has been classified as a Variant of Uncertain Significance.

NM_153026.3(PRICKLE1):c.1714_1715del (p.Glu572fs)

Gene: PRICKLE1 (prickle planar cell polarity protein 1; minus strand). Cytogenetic location: 12q12.
Variant type: Deletion.
Coding change: c.1714_1715del on transcript NM_153026.3 (MANE Select); coding-DNA positions 1714 to 1715, 2 bases deleted (GA; older notation c.1714_1715delGA).
Protein change: p.Glu572fs; shifts the reading frame from glutamic acid 572.
Molecular consequence: frameshift variant.
Genome position (GRCh38, 1-based): chr12:42,460,590-42,460,591, TC deleted on the plus strand (GA on the coding strand, the reverse complement: PRICKLE1 is on the minus strand); deleting any 2 consecutive bases within chr12:42,460,590-42,460,592 gives the same sequence; the c. name uses the placement nearest the transcript's 3' end. VCF-style (leftmost placement, unchanged base first): chr12-42460589-TTC-T. GRCh37 (hg19) VCF-style: chr12-42854391-TTC-T.
Other names: c.1714_1715del, p.Glu572fs (NM_001144881.2, NM_001144882.2, NM_001144883.2); short protein forms E572fs.
Identifiers: ClinVar variation 1469326 (VCV001469326.6), dbSNP rs2140088272, ClinGen allele CA2573148543.